The following is an entry in ClinVar:

ClinVar aggregate classification (germline): Uncertain significance. Review status: criteria provided, multiple submitters, no conflicts (2 of 4 stars). 4 submissions from 4 submitters: Uncertain significance (4). Last evaluated 2025-08-10.

Conditions:
Progressive familial heart block type IB (PFHB1B). Identifiers: Orphanet 871, MedGen C1970298, MONDO:0011474, OMIM 604559.
Cardiovascular phenotype. Identifiers: MedGen CN230736.

Allele frequency attached by ClinVar (database versions not stated): gnomAD 0.00003 and 0.00004; gnomAD exomes 0.00003; TOPMed 0.00004.

Submissions (4):

Labcorp Genetics (formerly Invitae), Labcorp
Classification: Uncertain significance for Progressive familial heart block type IB. Last evaluated: 2025-08-10. Review status: criteria provided, single submitter. Criteria: Invitae Variant Classification Sherloc (09022015). Collection method: clinical testing. Allele origin: germline.
Comment: This sequence change replaces glycine, which is neutral and non-polar, with serine, which is neutral and polar, at codon 241 of the TRPM4 protein (p.Gly241Ser). This variant is present in population databases (no rsID available, gnomAD 0.02%). This variant has not been reported in the literature in individuals affected with TRPM4-related conditions. ClinVar contains an entry for this variant (Variation ID: 329848). An algorithm developed to predict the effect of missense changes on protein structure and function (PolyPhen-2) suggests that this variant is likely to be disruptive. In summary, the available evidence is currently insufficient to determine the role of this variant in disease. Therefore, it has been classified as a Variant of Uncertain Significance.

GeneDx
Classification: Uncertain significance. Last evaluated: 2023-11-27. Review status: criteria provided, single submitter. Criteria: GeneDx Variant Classification Process June 2021. Collection method: clinical testing. Allele origin: germline. Affected: yes.
Comment: Has not been previously published as pathogenic or benign to our knowledge; In silico analysis supports that this missense variant has a deleterious effect on protein structure/function

Ambry Genetics
Classification: Uncertain significance for Cardiovascular phenotype. Last evaluated: 2023-10-29. Review status: criteria provided, single submitter. Criteria: Ambry Variant Classification Scheme 2023. Collection method: clinical testing. Allele origin: germline.
Comment: The p.G241S variant (also known as c.721G>A), located in coding exon 6 of the TRPM4 gene, results from a G to A substitution at nucleotide position 721. The glycine at codon 241 is replaced by serine, an amino acid with similar properties. This amino acid position is well conserved in available vertebrate species; however, serine is the reference amino acid in other vertebrate species. In addition, this alteration is predicted to be tolerated by in silico analysis. Since supporting evidence is limited at this time, the clinical significance of this alteration remains unclear.

Illumina Laboratory Services, Illumina
Classification: Uncertain significance for Progressive familial heart block type IB. Last evaluated: 2018-01-12. Review status: criteria provided, single submitter. Criteria: ICSL Variant Classification Criteria 13 December 2019. Collection method: clinical testing. Allele origin: germline.

NM_017636.4(TRPM4):c.721G>A (p.Gly241Ser)

Gene: TRPM4 (transient receptor potential cation channel subfamily M member 4; plus strand). Cytogenetic location: 19q13.33.
Variant type: single nucleotide variant.
Coding change: c.721G>A on transcript NM_017636.4 (MANE Select); coding-DNA position 721, G replaced by A.
Protein change: p.Gly241Ser; replaces glycine 241 with serine.
Molecular consequence: missense variant. On other transcripts: 5 prime UTR variant (2).
Genome position (GRCh38, 1-based): chr19:49,168,661, G>A. VCF-style: chr19-49168661-G-A. GRCh37 (hg19) VCF-style: chr19-49671918-G-A.
Other names: c.721G>A, p.Gly241Ser (NM_001195227.2); c.376G>A, p.Gly126Ser (NM_001321281.2); c.-833G>A (NM_001321282.2); c.199G>A, p.Gly67Ser (NM_001321283.2); c.-129G>A (NM_001321285.2); short protein forms G241S, G67S, G126S.
Identifiers: ClinVar variation 329848 (VCV000329848.12), dbSNP rs886054577, ClinGen allele CA10648965.
Genomic context (GRCh38, chr19:49,168,661, plus strand): 5'-GTCCAGTTTCCCCTGGACTACAACTACTCGGCCTTCTTCCTGGTGGACGACGGCACACAC[G>A]GCTGCCTGGGGGGCGAGAACCGCTTCCGCTTGCGCCTGGAGTCCTACATCTCACAGCAGA-3'
Protein context (NP_060106.2, residues 231-251): AFFLVDDGTH[Gly241Ser]CLGGENRFRL